The following is an entry in ClinVar:

ClinVar aggregate classification (germline): Likely benign. Review status: criteria provided, multiple submitters, no conflicts (2 of 4 stars). 2 submissions from 2 submitters: Likely benign (2). Last evaluated 2025-02-07.

Conditions:
POLD1-related polyposis and colorectal cancer syndrome (CRCS10). Also called: Colorectal cancer 10; COLORECTAL CANCER, SUSCEPTIBILITY TO, ON CHROMOSOME 19q; Colorectal cancer, susceptibility to, 10. Identifiers: Orphanet 220460, MedGen C2675481, MONDO:0012953, OMIM 612591.

Submissions (2):

Myriad Genetics, Inc.
Classification: Likely benign for POLD1-related polyposis and colorectal cancer syndrome. Last evaluated: 2025-02-07. Review status: criteria provided, single submitter. Criteria: Myriad Autosomal Dominant, Autosomal Recessive and X-Linked Classification Criteria (2023). Collection method: clinical testing. Allele origin: unknown.
Comment: This variant is considered likely benign. This variant is intronic and is not expected to impact mRNA splicing.

Labcorp Genetics (formerly Invitae), Labcorp
Classification: Likely benign for POLD1-related polyposis and colorectal cancer syndrome. Last evaluated: 2024-12-17. Review status: criteria provided, single submitter. Criteria: Invitae Variant Classification Sherloc (09022015). Collection method: clinical testing. Allele origin: germline.

NM_002691.4(POLD1):c.1686+7A>T

Gene: POLD1 (DNA polymerase delta 1, catalytic subunit; plus strand). Cytogenetic location: 19q13.33.
Variant type: single nucleotide variant.
Coding change: c.1686+7A>T on transcript NM_002691.4 (MANE Select); 7 bases into the intron after coding-DNA position 1686, A replaced by T.
Molecular consequence: intron variant.
Genome position (GRCh38, 1-based): chr19:50,407,181, A>T. VCF-style: chr19-50407181-A-T. GRCh37 (hg19) VCF-style: chr19-50910438-A-T.
Other names: c.1686+7A>T (NM_001256849.1, NM_001308632.1).
Identifiers: ClinVar variation 2091938 (VCV002091938.5), dbSNP rs372292374, ClinGen allele CA2580097643.